The following is an entry in ClinVar:

NM_172362.3(KCNH1):c.1241G>A (p.Arg414His)

Gene: KCNH1 (potassium voltage-gated channel subfamily H member 1; minus strand). Cytogenetic location: 1q32.2.
Variant type: single nucleotide variant.
Coding change: c.1241G>A on transcript NM_172362.3 (MANE Select); coding-DNA position 1241, G replaced by A.
Protein change: p.Arg414His; replaces arginine 414 with histidine.
Molecular consequence: missense variant.
Genome position (GRCh38, 1-based): chr1:210,919,861, C>T on the plus strand (G>A on the coding strand, the complement: KCNH1 is on the minus strand). VCF-style: chr1-210919861-C-T. GRCh37 (hg19) VCF-style: chr1-211093203-C-T.
Other names: c.1160G>A, p.Arg387His (NM_002238.4); short protein forms R414H, R387H.
Identifiers: ClinVar variation 1420659 (VCV001420659.8), dbSNP rs1358694562, ClinGen allele CA344873454.

ClinVar aggregate classification (germline): Uncertain significance (1 of 4 stars; one submission).

Allele frequency attached by ClinVar (database versions not stated): TOPMed 0.00001.
gnomAD v4.1: 8 of 1,614,164 alleles (0.0005%); highest among the groups gnomAD compares: Non-Finnish European, 0.00068%; no homozygotes.

Submission:

Labcorp Genetics (formerly Invitae), Labcorp
Classification: Uncertain significance. Last evaluated: 2023-05-22. Review status: criteria provided, single submitter. Criteria: Invitae Variant Classification Sherloc (09022015). Collection method: clinical testing. Allele origin: germline.
Comment: In summary, the available evidence is currently insufficient to determine the role of this variant in disease. Therefore, it has been classified as a Variant of Uncertain Significance. Advanced modeling of protein sequence and biophysical properties (such as structural, functional, and spatial information, amino acid conservation, physicochemical variation, residue mobility, and thermodynamic stability) performed at Invitae indicates that this missense variant is expected to disrupt KCNH1 protein function. ClinVar contains an entry for this variant (Variation ID: 1420659). This variant has not been reported in the literature in individuals affected with KCNH1-related conditions. This variant is not present in population databases (gnomAD no frequency). This sequence change replaces arginine, which is basic and polar, with histidine, which is basic and polar, at codon 414 of the KCNH1 protein (p.Arg414His).